The following is an entry in ClinVar:

NM_003919.3(SGCE):c.274A>G (p.Met92Val)

Genes: CASD1 (CAS1 domain containing 1; plus strand), SGCE (sarcoglycan epsilon; minus strand). Cytogenetic location: 7q21.3.
Variant type: single nucleotide variant.
Coding change: c.274A>G on transcript NM_003919.3 (MANE Select); coding-DNA position 274, A replaced by G.
Protein change: p.Met92Val; replaces methionine 92 with valine.
Molecular consequence: missense variant. On other transcripts: initiator codon variant (2).
Genome position (GRCh38, 1-based): chr7:94,628,318, T>C on the plus strand (A>G on the coding strand, the complement: SGCE is on the minus strand). VCF-style: chr7-94628318-T-C. GRCh37 (hg19) VCF-style: chr7-94257630-T-C.
Other names: c.274A>G, p.Met92Val (NM_001099400.2, NM_001099401.2, NM_001346717.2); c.151A>G, p.Met51Val (NM_001301139.2, NM_001362809.2); c.382A>G, p.Met128Val (NM_001346713.2, NM_001346715.2); c.187A>G, p.Met63Val (NM_001346719.2, NM_001362807.2); c.1A>G, p.Met1Val (NM_001346720.2, NM_001362808.2); short protein forms M128V, M1V, M51V, M63V, M92V.
Identifiers: ClinVar variation 1804322 (VCV001804322.2), dbSNP rs751883227, ClinGen allele CA162940398.

ClinVar aggregate classification (germline): Uncertain significance (1 of 4 stars; one submission).

Submission:

GeneDx
Classification: Uncertain significance. Last evaluated: 2022-06-14. Review status: criteria provided, single submitter. Criteria: GeneDx Variant Classification Process June 2021. Collection method: clinical testing. Allele origin: germline. Affected: yes.
Comment: Not observed at significant frequency in large population cohorts (gnomAD); In silico analysis supports that this missense variant does not alter protein structure/function; Has not been previously published as pathogenic or benign to our knowledge